The following is an entry in ClinVar:

NM_178170.3(NEK8):c.1924C>T (p.Arg642Ter)

Gene: NEK8 (NIMA related kinase 8; plus strand). Cytogenetic location: 17q11.2.
Variant type: single nucleotide variant.
Coding change: c.1924C>T on transcript NM_178170.3 (MANE Select); coding-DNA position 1924, C replaced by T.
Protein change: p.Arg642Ter; replaces arginine 642 with a stop codon.
Molecular consequence: nonsense.
Genome position (GRCh38, 1-based): chr17:28,741,445, C>T. VCF-style: chr17-28741445-C-T. GRCh37 (hg19) VCF-style: chr17-27068463-C-T.
Other names: short protein forms R642*.
Identifiers: ClinVar variation 2053489 (VCV002053489.6), dbSNP rs763288569, ClinGen allele CA8467593.

ClinVar aggregate classification (germline): Pathogenic/Likely pathogenic. Review status: criteria provided, multiple submitters, no conflicts (2 of 4 stars). 2 submissions from 2 submitters: Pathogenic (1); Likely pathogenic (1). Last evaluated 2024-02-23.

Conditions:
Nephronophthisis 9 (NPHP9). Identifiers: Orphanet 655, MedGen C3151188, MONDO:0013444, OMIM 613824.
Renal-hepatic-pancreatic dysplasia 2 (RHPD2). Identifiers: MedGen C3809434, MONDO:0014174, OMIM 615415.

Allele frequency attached by ClinVar (database versions not stated): gnomAD 0.00001; ExAC 0.00002.
gnomAD v4.1: 7 of 1,613,932 alleles (0.00043%); highest among the groups gnomAD compares: East Asian, 0.0067%; no homozygotes.

Submissions (2):

Labcorp Genetics (formerly Invitae), Labcorp
Classification: Pathogenic for Nephronophthisis 9. Last evaluated: 2024-02-23. Review status: criteria provided, single submitter. Criteria: Invitae Variant Classification Sherloc (09022015). Collection method: clinical testing. Allele origin: germline.
Comment: This sequence change creates a premature translational stop signal (p.Arg642*) in the NEK8 gene. It is expected to result in an absent or disrupted protein product. Loss-of-function variants in NEK8 are known to be pathogenic (PMID: 23418306, 26967905). This variant is present in population databases (rs763288569, gnomAD 0.01%). This variant has not been reported in the literature in individuals affected with NEK8-related conditions. ClinVar contains an entry for this variant (Variation ID: 2053489). Algorithms developed to predict the effect of sequence changes on RNA splicing suggest that this variant may disrupt the consensus splice site. For these reasons, this variant has been classified as Pathogenic.

Juno Genomics, Hangzhou Juno Genomics, Inc
Classification: Likely pathogenic for Nephronophthisis 9; Renal-hepatic-pancreatic dysplasia 2. Review status: criteria provided, single submitter. Criteria: ACMG Guidelines, 2015. Collection method: clinical testing. Allele origin: germline.
Comment: Null variant in a gene where loss of function (LOF) is a known mechanism of disease.;Absent from controls (or at extremely low frequency if recessive) in Genome Aggregation Database.

Literature cited by the submitters: PubMed 23418306 (cited by Labcorp Genetics (formerly Invitae), Labcorp); PubMed 26967905 (cited by Labcorp Genetics (formerly Invitae), Labcorp).